The following is an entry in ClinVar:

NM_000256.3(MYBPC3):c.2884G>A (p.Val962Met)

Gene: MYBPC3 (myosin binding protein C3; minus strand). Cytogenetic location: 11p11.2.
Variant type: single nucleotide variant.
Coding change: c.2884G>A on transcript NM_000256.3 (MANE Select); coding-DNA position 2884, G replaced by A.
Protein change: p.Val962Met; replaces valine 962 with methionine.
Molecular consequence: missense variant.
Genome position (GRCh38, 1-based): chr11:47,335,063, C>T on the plus strand (G>A on the coding strand, the complement: MYBPC3 is on the minus strand). VCF-style: chr11-47335063-C-T. GRCh37 (hg19) VCF-style: chr11-47356614-C-T.
Other names: short protein forms V962M.
Identifiers: ClinVar variation 3622966 (VCV003622966.2).

ClinVar aggregate classification (germline): Uncertain significance (1 of 4 stars; one submission).

Conditions:
Hypertrophic cardiomyopathy. Also called: HYPERTROPHIC MYOCARDIOPATHY. Identifiers: Orphanet 217569, MedGen C0007194, MeSH D002312, MONDO:0005045, HP:0001639.

Submission:

Labcorp Genetics (formerly Invitae), Labcorp
Classification: Uncertain significance for Hypertrophic cardiomyopathy. Last evaluated: 2024-11-27. Review status: criteria provided, single submitter. Criteria: Invitae Variant Classification Sherloc (09022015). Collection method: clinical testing. Allele origin: germline.
Comment: This sequence change replaces valine, which is neutral and non-polar, with methionine, which is neutral and non-polar, at codon 962 of the MYBPC3 protein (p.Val962Met). This variant is not present in population databases (gnomAD no frequency). This variant has not been reported in the literature in individuals affected with MYBPC3-related conditions. An algorithm developed to predict the effect of missense changes on protein structure and function (PolyPhen-2) suggests that this variant is likely to be disruptive. In summary, the available evidence is currently insufficient to determine the role of this variant in disease. Therefore, it has been classified as a Variant of Uncertain Significance.